The following is an entry in ClinVar:

ClinVar aggregate classification (germline): Pathogenic (1 of 4 stars; one submission).

Conditions:
Joubert syndrome. Also called: CEREBELLOPARENCHYMAL DISORDER IV; JOUBERT-BOLTSHAUSER SYNDROME; Familial aplasia of the vermis. Identifiers: Orphanet 475, MedGen C5979921, MONDO:0018772.

Submission:

Labcorp Genetics (formerly Invitae), Labcorp
Classification: Pathogenic for Joubert syndrome. Last evaluated: 2023-10-07. Review status: criteria provided, single submitter. Criteria: Invitae Variant Classification Sherloc (09022015). Collection method: clinical testing. Allele origin: germline.
Comment: This sequence change creates a premature translational stop signal (p.Tyr500*) in the AHI1 gene. It is expected to result in an absent or disrupted protein product. Loss-of-function variants in AHI1 are known to be pathogenic (PMID: 15322546, 16453322, 28442542, 29186038). This variant is not present in population databases (gnomAD no frequency). This variant has not been reported in the literature in individuals affected with AHI1-related conditions. For these reasons, this variant has been classified as Pathogenic.

Literature cited by the submitters: PubMed 15322546; PubMed 16453322; PubMed 28442542; PubMed 29186038.

NM_001134831.2(AHI1):c.1500C>G (p.Tyr500Ter)

Gene: AHI1 (Abelson helper integration site 1; minus strand). Cytogenetic location: 6q23.3.
Variant type: single nucleotide variant.
Coding change: c.1500C>G on transcript NM_001134831.2 (MANE Select); coding-DNA position 1500, C replaced by G.
Protein change: p.Tyr500Ter; replaces tyrosine 500 with a stop codon.
Molecular consequence: nonsense.
Genome position (GRCh38, 1-based): chr6:135,448,416, G>C on the plus strand (C>G on the coding strand, the complement: AHI1 is on the minus strand). VCF-style: chr6-135448416-G-C. GRCh37 (hg19) VCF-style: chr6-135769554-G-C.
Other names: c.1500C>G, p.Tyr500Ter (NM_001134830.2, NM_001134832.2, NM_001350503.2 and 2 more transcripts); short protein forms Y500*.
Identifiers: ClinVar variation 2752330 (VCV002752330.3), dbSNP rs769742563, ClinGen allele CA365745490.
Genomic context (GRCh38, chr6:135,448,416, plus strand): 5'-TTTTGACCACCATTCAAATGCCTCAACAACACTTAATGGGGATCGAGGCTTAGTAGGTGG[G>C]TAATATAGCTGCAAGCGAAGTTTTGAGTTGATGTTTGCATTTCCATTGGCTCCCAGAAGC-3'